The following is an entry in ClinVar:

ClinVar aggregate classification (germline): Uncertain significance (1 of 4 stars; one submission).

Conditions:
3MC syndrome 2. Also called: OCULO-SKELETAL-ABDOMINAL SYNDROME; OSA SYNDROME; PTOSIS OF EYELIDS WITH DIASTASIS RECTI AND HIP DYSPLASIA. Identifiers: Orphanet 293843, MedGen C0796279, MONDO:0009927, OMIM 265050.

Submission:

Neuberg Centre For Genomic Medicine, NCGM
Classification: Uncertain significance for 3MC syndrome 2. Review status: criteria provided, single submitter. Criteria: ACMG Guidelines, 2015. Collection method: clinical testing. Allele origin: germline. Inheritance: Autosomal recessive inheritance. Affected: yes.
Comment: The missense variant in c.284G>T(p.Gly95Val) in COLEC11 gene has not been reported previously as a pathogenic variant nor as a benign variant, to our knowledge. The p.Gly95Val variant is novel (not in any individuals) in gnomAD Exomes and 1000 Genomes. This variant has not been reported to the ClinVar database. The amino acid change p.Gly95Val in COLEC11 is predicted as conserved by GERP++ and PhyloP across 100 vertebrates. The amino acid Gly at position 95 is changed to a Val changing protein sequence and it might alter its composition and physico-chemical properties. For these reasons, this variant has been classified as Uncertain Significance (VUS).

NM_024027.5(COLEC11):c.284G>T (p.Gly95Val)

Gene: COLEC11 (collectin subfamily member 11; plus strand). Cytogenetic location: 2p25.3.
Variant type: single nucleotide variant.
Coding change: c.284G>T on transcript NM_024027.5 (MANE Select); coding-DNA position 284, G replaced by T.
Protein change: p.Gly95Val; replaces glycine 95 with valine.
Molecular consequence: missense variant. On other transcripts: non-coding transcript variant (1).
Genome position (GRCh38, 1-based): chr2:3,640,287, G>T. VCF-style: chr2-3640287-G-T. GRCh37 (hg19) VCF-style: chr2-3687877-G-T.
Other names: c.212G>T, p.Gly71Val (NM_001255982.2, NM_001255983.2); c.140G>T, p.Gly47Val (NM_001255984.2); c.326G>T, p.Gly109Val (NM_001255985.1); c.206G>T, p.Gly69Val (NM_001255986.1); c.134G>T, p.Gly45Val (NM_001255987.1, NM_001255988.1); c.62G>T, p.Gly21Val (NM_001255989.1); c.275G>T, p.Gly92Val (NM_199235.3); short protein forms G21V, G45V, G71V, G92V, G109V, G47V, G95V, G69V.
Identifiers: ClinVar variation 2585097 (VCV002585097.1), dbSNP rs2528465394, ClinGen allele CA345747702.
Genomic context (GRCh38, chr2:3,640,287, plus strand): 5'-AGAACATGTCCATCTCTGCCTGGTGACTTGGACCTTGTTTTTTATTTTCAGGTGAGAAAG[G>T]AGATTCCGGTGACATAGGACCCCCTGGTCCTAATGGAGAACCAGGTATGGCATAAAGGGT-3'
Protein context (NP_076932.1, residues 85-105): IGPIGSKGEK[Gly95Val]DSGDIGPPGP